The following is an entry in ClinVar:

NM_001042517.2(DIAPH3):c.2245T>A (p.Leu749Met)

Gene: DIAPH3 (diaphanous related formin 3; minus strand). Cytogenetic location: 13q21.2.
Variant type: single nucleotide variant.
Coding change: c.2245T>A on transcript NM_001042517.2 (MANE Select); coding-DNA position 2245, T replaced by A.
Protein change: p.Leu749Met; replaces leucine 749 with methionine.
Molecular consequence: missense variant.
Genome position (GRCh38, 1-based): chr13:59,916,175, A>T on the plus strand (T>A on the coding strand, the complement: DIAPH3 is on the minus strand). VCF-style: chr13-59916175-A-T. GRCh37 (hg19) VCF-style: chr13-60490309-A-T.
Other names: c.2212T>A, p.Leu738Met (NM_001258366.2); c.2107T>A, p.Leu703Met (NM_001258367.2); c.2035T>A, p.Leu679Met (NM_001258368.2); c.2245T>A, p.Leu749Met (NM_001258369.2); c.1456T>A, p.Leu486Met (NM_001258370.2, NM_030932.4); short protein forms L679M, L749M, L703M, L486M, L738M.
Identifiers: ClinVar variation 1407699 (VCV001407699.6), dbSNP rs778021540, ClinGen allele CA6996436.

ClinVar aggregate classification (germline): Uncertain significance (1 of 4 stars; one submission).

Allele frequency attached by ClinVar (database versions not stated): TOPMed 0.00001; ExAC 0.00003; gnomAD exomes 0.00003 and 0.00007.
gnomAD v4.1: 17 of 1,613,220 alleles (0.0011%); highest among the groups gnomAD compares: Admixed American, 0.028%; no homozygotes.

Submission:

Labcorp Genetics (formerly Invitae), Labcorp
Classification: Uncertain significance. Last evaluated: 2025-02-20. Review status: criteria provided, single submitter. Criteria: Invitae Variant Classification Sherloc (09022015). Collection method: clinical testing. Allele origin: germline.
Comment: This sequence change replaces leucine, which is neutral and non-polar, with methionine, which is neutral and non-polar, at codon 749 of the DIAPH3 protein (p.Leu749Met). This variant is present in population databases (rs778021540, gnomAD 0.05%). This variant has not been reported in the literature in individuals affected with DIAPH3-related conditions. ClinVar contains an entry for this variant (Variation ID: 1407699). An algorithm developed to predict the effect of missense changes on protein structure and function (PolyPhen-2) suggests that this variant is likely to be disruptive. In summary, the available evidence is currently insufficient to determine the role of this variant in disease. Therefore, it has been classified as a Variant of Uncertain Significance.